The following is an entry in ClinVar:

ClinVar aggregate classification (germline): Uncertain significance. Review status: criteria provided, multiple submitters, no conflicts (2 of 4 stars). 3 submissions from 3 submitters: Uncertain significance (3). Last evaluated 2025-07-25.

Conditions:
KBG syndrome (KBGS). Also called: ANKRD11-Related KBG Syndrome. Identifiers: Orphanet 2332, MedGen C0220687, MONDO:0007846, OMIM 148050.
Inborn genetic diseases. Identifiers: MedGen C0950123, MeSH D030342.

Allele frequency attached by ClinVar (database versions not stated): ExAC 0.00001; gnomAD 0.00001; gnomAD exomes 0.00001; TOPMed 0.00003.
gnomAD v4.1: 9 of 1,572,708 alleles (0.00057%); highest among the groups gnomAD compares: Middle Eastern, 0.017%; no homozygotes.

Submissions (3):

Women's Health and Genetics/Laboratory Corporation of America, LabCorp
Classification: Uncertain significance. Last evaluated: 2025-07-25. Review status: criteria provided, single submitter. Criteria: LabCorp Variant Classification Summary - May 2015. Collection method: clinical testing. Allele origin: germline.
Comment: Variant summary: ANKRD11 c.5581A>G (p.Lys1861Glu) results in a conservative amino acid change in the encoded protein sequence. Algorithms developed to predict the effect of missense changes on protein structure and function all suggest that this variant is likely to be tolerated. The variant allele was found at a frequency of 9e-06 in 223142 control chromosomes (gnomAD). The available data on variant occurrences in the general population are insufficient to allow any conclusion about variant significance. To our knowledge, no occurrence of c.5581A>G in individuals affected with KBG Syndrome and no experimental evidence demonstrating its impact on protein function have been reported. ClinVar contains an entry for this variant (Variation ID: 2595503). Based on the evidence outlined above, the variant was classified as uncertain significance.

Labcorp Genetics (formerly Invitae), Labcorp
Classification: Uncertain significance for KBG syndrome. Last evaluated: 2023-07-07. Review status: criteria provided, single submitter. Criteria: Invitae Variant Classification Sherloc (09022015). Collection method: clinical testing. Allele origin: germline.
Comment: This variant has not been reported in the literature in individuals affected with ANKRD11-related conditions. This sequence change replaces lysine, which is basic and polar, with glutamic acid, which is acidic and polar, at codon 1861 of the ANKRD11 protein (p.Lys1861Glu). This variant is present in population databases (rs749141968, gnomAD 0.007%). Advanced modeling of protein sequence and biophysical properties (such as structural, functional, and spatial information, amino acid conservation, physicochemical variation, residue mobility, and thermodynamic stability) performed at Invitae indicates that this missense variant is not expected to disrupt ANKRD11 protein function. In summary, the available evidence is currently insufficient to determine the role of this variant in disease. Therefore, it has been classified as a Variant of Uncertain Significance.

Ambry Genetics
Classification: Uncertain significance for Inborn genetic diseases. Last evaluated: 2023-06-27. Review status: criteria provided, single submitter. Criteria: Ambry Variant Classification Scheme 2023. Collection method: clinical testing. Allele origin: germline.

NM_013275.6(ANKRD11):c.5581A>G (p.Lys1861Glu)

Gene: ANKRD11 (ankyrin repeat domain 11; minus strand). Cytogenetic location: 16q24.3.
Variant type: single nucleotide variant.
Coding change: c.5581A>G on transcript NM_013275.6 (MANE Select); coding-DNA position 5581, A replaced by G.
Protein change: p.Lys1861Glu; replaces lysine 1861 with glutamic acid.
Molecular consequence: missense variant.
Genome position (GRCh38, 1-based): chr16:89,280,961, T>C on the plus strand (A>G on the coding strand, the complement: ANKRD11 is on the minus strand). VCF-style: chr16-89280961-T-C. GRCh37 (hg19) VCF-style: chr16-89347369-T-C.
Other names: c.5581A>G, p.Lys1861Glu (NM_001256182.2, NM_001256183.2); short protein forms K1861E.
Identifiers: ClinVar variation 2595503 (VCV002595503.6), dbSNP rs749141968, ClinGen allele CA8241792.